The following is an entry in ClinVar:

NM_020461.4(TUBGCP6):c.2627C>G (p.Ala876Gly)

Gene: TUBGCP6 (tubulin gamma complex component 6; minus strand). Cytogenetic location: 22q13.33.
Variant type: single nucleotide variant.
Coding change: c.2627C>G on transcript NM_020461.4 (MANE Select); coding-DNA position 2627, C replaced by G.
Protein change: p.Ala876Gly; replaces alanine 876 with glycine.
Molecular consequence: missense variant.
Genome position (GRCh38, 1-based): chr22:50,221,732, G>C on the plus strand (C>G on the coding strand, the complement: TUBGCP6 is on the minus strand). VCF-style: chr22-50221732-G-C. GRCh37 (hg19) VCF-style: chr22-50660161-G-C.
Other names: c.2627C>G (NM_020461.3); short protein forms A876G.
Identifiers: ClinVar variation 1008497 (VCV001008497.7), dbSNP rs1432166687, ClinGen allele CA412097037.

ClinVar aggregate classification (germline): Uncertain significance. Review status: criteria provided, multiple submitters, no conflicts (2 of 4 stars). 2 submissions from 2 submitters: Uncertain significance (2). Last evaluated 2025-09-21.

Conditions:
Inborn genetic diseases. Identifiers: MedGen C0950123, MeSH D030342.

Allele frequency attached by ClinVar (database versions not stated): gnomAD exomes 0.00001.
gnomAD v4.1: 1 of 1,516,208 alleles (0.000066%); highest among the groups gnomAD compares: Non-Finnish European, 0.000088%; no homozygotes.

Submissions (2):

Ambry Genetics
Classification: Uncertain significance for Inborn genetic diseases. Last evaluated: 2025-09-21. Review status: criteria provided, single submitter. Criteria: Ambry Variant Classification Scheme 2023. Collection method: clinical testing. Allele origin: germline.

Labcorp Genetics (formerly Invitae), Labcorp
Classification: Uncertain significance. Last evaluated: 2021-09-01. Review status: criteria provided, single submitter. Criteria: Invitae Variant Classification Sherloc (09022015). Collection method: clinical testing. Allele origin: germline.
Comment: This sequence change replaces alanine with glycine at codon 876 of the TUBGCP6 protein (p.Ala876Gly). The alanine residue is weakly conserved and there is a small physicochemical difference between alanine and glycine. This variant is not present in population databases (ExAC no frequency). This variant has not been reported in the literature in individuals affected with TUBGCP6-related conditions. Algorithms developed to predict the effect of missense changes on protein structure and function (SIFT, PolyPhen-2, Align-GVGD) all suggest that this variant is likely to be tolerated. In summary, the available evidence is currently insufficient to determine the role of this variant in disease. Therefore, it has been classified as a Variant of Uncertain Significance.